The following is an entry in ClinVar:

ClinVar aggregate classification (germline): Uncertain significance (1 of 4 stars; one submission).

Conditions:
Mowat-Wilson syndrome (MOWS). Also called: Classic Mowat-Wilson Syndrome. Identifiers: Orphanet 2152, MedGen C1856113, MONDO:0009341, OMIM 235730.

Submission:

Labcorp Genetics (formerly Invitae), Labcorp
Classification: Uncertain significance for Mowat-Wilson syndrome. Last evaluated: 2025-10-28. Review status: criteria provided, single submitter. Criteria: Invitae Variant Classification Sherloc (09022015). Collection method: clinical testing. Allele origin: germline.
Comment: This sequence change replaces glycine, which is neutral and non-polar, with serine, which is neutral and polar, at codon 158 of the ZEB2 protein (p.Gly158Ser). This variant is not present in population databases (gnomAD no frequency). This variant has not been reported in the literature in individuals affected with ZEB2-related conditions. Invitae Evidence Modeling of protein sequence and biophysical properties (such as structural, functional, and spatial information, amino acid conservation, physicochemical variation, residue mobility, and thermodynamic stability) indicates that this missense variant is not expected to disrupt ZEB2 protein function with a negative predictive value of 80%. In summary, the available evidence is currently insufficient to determine the role of this variant in disease. Therefore, it has been classified as a Variant of Uncertain Significance.

NM_014795.4(ZEB2):c.472G>A (p.Gly158Ser)

Gene: ZEB2 (zinc finger E-box binding homeobox 2; minus strand). Cytogenetic location: 2q22.3.
Variant type: single nucleotide variant.
Coding change: c.472G>A on transcript NM_014795.4 (MANE Select); coding-DNA position 472, G replaced by A.
Protein change: p.Gly158Ser; replaces glycine 158 with serine.
Molecular consequence: missense variant.
Genome position (GRCh38, 1-based): chr2:144,404,956, C>T on the plus strand (G>A on the coding strand, the complement: ZEB2 is on the minus strand). VCF-style: chr2-144404956-C-T. GRCh37 (hg19) VCF-style: chr2-145162523-C-T.
Other names: c.400G>A, p.Gly134Ser (NM_001171653.2); short protein forms G134S, G158S.
Identifiers: ClinVar variation 4749388 (VCV004749388.1).